The following is an entry in ClinVar:

ClinVar aggregate classification (germline): Uncertain significance (1 of 4 stars; one submission).

Conditions:
Macular corneal dystrophy (MCD). Also called: Macular corneal dystrophy Type I; GROENOUW TYPE II CORNEAL DYSTROPHY. Identifiers: Orphanet 98969, MedGen C1636149, MONDO:0009020, OMIM 217800.

Allele frequency attached by ClinVar (database versions not stated): gnomAD 0.00001; TOPMed 0.00001; gnomAD exomes 0.00003; ExAC 0.00004; ESP Exome Variant Server 0.00008.
gnomAD v4.1: 44 of 1,612,758 alleles (0.0027%); highest among the groups gnomAD compares: Non-Finnish European, 0.0035%; no homozygotes.

Submission:

Labcorp Genetics (formerly Invitae), Labcorp
Classification: Uncertain significance for Macular corneal dystrophy. Last evaluated: 2022-04-04. Review status: criteria provided, single submitter. Criteria: Invitae Variant Classification Sherloc (09022015). Collection method: clinical testing. Allele origin: germline.
Comment: This sequence change replaces aspartic acid, which is acidic and polar, with valine, which is neutral and non-polar, at codon 108 of the CHST6 protein (p.Asp108Val). This variant is present in population databases (rs368924788, gnomAD 0.005%). This variant has not been reported in the literature in individuals affected with CHST6-related conditions. Algorithms developed to predict the effect of missense changes on protein structure and function are either unavailable or do not agree on the potential impact of this missense change (SIFT: "Tolerated"; PolyPhen-2: "Probably Damaging"; Align-GVGD: "Class C0"). In summary, the available evidence is currently insufficient to determine the role of this variant in disease. Therefore, it has been classified as a Variant of Uncertain Significance.

NM_021615.5(CHST6):c.323A>T (p.Asp108Val)

Gene: CHST6 (carbohydrate sulfotransferase 6; minus strand). Cytogenetic location: 16q23.1.
Variant type: single nucleotide variant.
Coding change: c.323A>T on transcript NM_021615.5 (MANE Select); coding-DNA position 323, A replaced by T.
Protein change: p.Asp108Val; replaces aspartic acid 108 with valine.
Molecular consequence: missense variant.
Genome position (GRCh38, 1-based): chr16:75,479,506, T>A on the plus strand (A>T on the coding strand, the complement: CHST6 is on the minus strand). VCF-style: chr16-75479506-T-A. GRCh37 (hg19) VCF-style: chr16-75513404-T-A.
Other names: short protein forms D108V.
Identifiers: ClinVar variation 2020758 (VCV002020758.1), dbSNP rs368924788, ClinGen allele CA8175529.
Genomic context (GRCh38, chr16:75,479,506, plus strand): 5'-GCACGGCTCACGGCCCACTGGAAGAGGTCGGACAGGTTGCGGCGCCAAGGCAGATAGGCA[T>A]CAAACACGTCCATGTCGCACAGGAAGACGGAGCGCACCAGGTCGCGCACAGCCATGTGCA-3'
Protein context (NP_067628.1, residues 98-118): SVFLCDMDVF[Asp108Val]AYLPWRRNLS